The following is an entry in ClinVar:

NM_030665.4(RAI1):c.2613C>A (p.Tyr871Ter)

Gene: RAI1 (retinoic acid induced 1; plus strand). Cytogenetic location: 17p11.2.
Variant type: single nucleotide variant.
Coding change: c.2613C>A on transcript NM_030665.4 (MANE Select); coding-DNA position 2613, C replaced by A.
Protein change: p.Tyr871Ter; replaces tyrosine 871 with a stop codon.
Molecular consequence: nonsense.
Genome position (GRCh38, 1-based): chr17:17,795,561, C>A. VCF-style: chr17-17795561-C-A. GRCh37 (hg19) VCF-style: chr17-17698875-C-A.
Other names: short protein forms Y871*.
Identifiers: ClinVar variation 489106 (VCV000489106.2), dbSNP rs1555565533, ClinGen allele CA398551625.
Genomic context (GRCh38, chr17:17,795,561, plus strand): 5'-GGACCTCCCACTGCTGCCACCCACCAGCAGGAAGGAGGACCTGGAAGCTGAGGAGGAGTA[C>A]TCCTCCCTATGTGAGCTCCTGGGCAGCCCCGAGCAGAGGCCTGGCATGCAGGACCCGCTG-3'

ClinVar aggregate classification (germline): Pathogenic (1 of 4 stars; one submission).

Submission:

GeneDx
Classification: Pathogenic. Last evaluated: 2017-11-07. Review status: criteria provided, single submitter. Criteria: GeneDx Variant Classification (06012015). Collection method: clinical testing. Allele origin: germline. Affected: yes.
Comment: The Y871X variant in the RAI1 gene has not been reported previously as a pathogenic variant nor as a benign variant, to our knowledge. This variant is predicted to cause loss of normal protein function either through protein truncation or nonsense-mediated mRNA decay. The Y871X variant is not observed in large population cohorts (Lek et al., 2016). We interpret Y871X as a pathogenic variant.